The following is an entry in ClinVar:

NM_198173.3(GRHL3):c.1159C>T (p.Arg387Cys)

Gene: GRHL3 (grainyhead like transcription factor 3; plus strand). Cytogenetic location: 1p36.11.
Variant type: single nucleotide variant.
Coding change: c.1159C>T on transcript NM_198173.3 (MANE Select); coding-DNA position 1159, C replaced by T.
Protein change: p.Arg387Cys; replaces arginine 387 with cysteine.
Molecular consequence: missense variant.
Genome position (GRCh38, 1-based): chr1:24,342,226, C>T. VCF-style: chr1-24342226-C-T. GRCh37 (hg19) VCF-style: chr1-24668716-C-T.
Other names: c.1159C>T (NM_198174.2, NM_198173.2); c.1021C>T, p.Arg341Cys (NM_001195010.2); c.1174C>T, p.Arg392Cys (NM_021180.4); c.1159C>T, p.Arg387Cys (NM_198174.3); short protein forms R341C, R392C, R387C.
Identifiers: ClinVar variation 790225 (VCV000790225.12), dbSNP rs147284380, ClinGen allele CA690110.

ClinVar aggregate classification (germline): Conflicting classifications of pathogenicity. Review status: criteria provided, conflicting classifications (1 of 4 stars). 3 submissions from 3 submitters: Uncertain significance (1); Likely benign (1). 1 of the submissions does not count toward it. Last evaluated 2025-11-04.

Conditions:
GRHL3-related disorder. Also called: GRHL3-related condition.
Inborn genetic diseases. Identifiers: MedGen C0950123, MeSH D030342.
Van der Woude syndrome 2 (VWS2). Identifiers: Orphanet 888, MedGen C1847604, MONDO:0011712, OMIM 606713.

Allele frequency attached by ClinVar (database versions not stated): gnomAD exomes 0.00011 and 0.00032; ExAC 0.00037; gnomAD 0.00088 and 0.00093; ESP Exome Variant Server 0.00115; TOPMed 0.00116; 1000 Genomes Project 30x 0.00156; 1000 Genomes Project 0.00160.
gnomAD v4.1: 298 of 1,613,168 alleles (0.018%); highest among the groups gnomAD compares: African/African-American, 0.3%; 1 homozygote.

Submissions (3):

Labcorp Genetics (formerly Invitae), Labcorp
Classification: Likely benign for Van der Woude syndrome 2. Last evaluated: 2025-11-04. Review status: criteria provided, single submitter. Criteria: Invitae Variant Classification Sherloc (09022015). Collection method: clinical testing. Allele origin: germline.

Ambry Genetics
Classification: Uncertain significance for Inborn genetic diseases. Last evaluated: 2024-01-19. Review status: criteria provided, single submitter. Criteria: Ambry Variant Classification Scheme 2023. Collection method: clinical testing. Allele origin: germline.

PreventionGenetics, part of Exact Sciences
Classification: Likely benign for GRHL3-related condition. Last evaluated: 2019-05-03. Review status: no assertion criteria provided. Collection method: clinical testing. Allele origin: germline. Not counted in ClinVar's aggregate classification.
Comment: This variant is classified as likely benign based on ACMG/AMP sequence variant interpretation guidelines (Richards et al. 2015 PMID: 25741868, with internal and published modifications).